The following is an entry in ClinVar:

NM_138370.3(PKDCC):c.640-2A>T

Gene: PKDCC (protein kinase domain containing, cytoplasmic; plus strand). Cytogenetic location: 2p21.
Variant type: single nucleotide variant.
Coding change: c.640-2A>T on transcript NM_138370.3 (MANE Select); the canonical splice acceptor site of the intron before coding-DNA position 640, A replaced by T.
Molecular consequence: splice acceptor variant.
Genome position (GRCh38, 1-based): chr2:42,053,237, A>T. VCF-style: chr2-42053237-A-T. GRCh37 (hg19) VCF-style: chr2-42280377-A-T.
Identifiers: ClinVar variation 3897945 (VCV003897945.1).
Genomic context (GRCh38, chr2:42,053,237, plus strand): 5'-CAGCCCTTCCCTGTCCCCACCCCCACCCTGTGACCTAATGACCTGCCCTCGGCTTTCCCC[A>T]GCTCTATGGCTACTGCTACCAGGACAGCGAGGACATCCCAGACACCCTGACCACCATCAC-3'

ClinVar aggregate classification (germline): Likely pathogenic (1 of 4 stars; one submission).

Conditions:
Rhizomelic limb shortening with dysmorphic features. Identifiers: MedGen C5394173, MONDO:0032935, OMIM 618821.

Submission:

Neuberg Centre For Genomic Medicine, NCGM
Classification: Likely pathogenic for Rhizomelic limb shortening with dysmorphic features. Last evaluated: 2024-02-01. Review status: criteria provided, single submitter. Criteria: ACMG Guidelines, 2015. Collection method: clinical testing. Allele origin: germline. Inheritance: Autosomal recessive inheritance.
Comment: The above variant has not been previously reported as a pathogenic nor as a benign variant, to our knowledge. This variant change affects the acceptor splice site in intron 1 of the PKDCC gene. Loss of function variants in this gene have been previously reported to be disease-causing (Pagnamenta AT, et al., 2023)